The following is an entry in ClinVar:

NM_005732.4(RAD50):c.1229C>T (p.Thr410Ile)

Gene: RAD50 (RAD50 double strand break repair protein; plus strand). Cytogenetic location: 5q31.1.
Variant type: single nucleotide variant.
Coding change: c.1229C>T on transcript NM_005732.4 (MANE Select); coding-DNA position 1229, C replaced by T.
Protein change: p.Thr410Ile; replaces threonine 410 with isoleucine.
Molecular consequence: missense variant.
Genome position (GRCh38, 1-based): chr5:132,588,864, C>T. VCF-style: chr5-132588864-C-T. GRCh37 (hg19) VCF-style: chr5-131924556-C-T.
Other names: short protein forms T410I.
Identifiers: ClinVar variation 818648 (VCV000818648.6), dbSNP rs876659018, ClinGen allele CA360943021.

ClinVar aggregate classification (germline): Uncertain significance (1 of 4 stars; one submission).

Conditions:
Hereditary cancer-predisposing syndrome. Also called: Tumor predisposition; Hereditary neoplastic syndrome; Neoplastic Syndromes, Hereditary; Hereditary Cancer Syndrome. Identifiers: Orphanet 140162, MedGen C0027672, MeSH D009386, MONDO:0015356.

gnomAD v4.1: 7 of 1,613,100 alleles (0.00043%); highest among the groups gnomAD compares: East Asian, 0.016%; no homozygotes.

Submission:

Ambry Genetics
Classification: Uncertain significance for Hereditary cancer-predisposing syndrome. Last evaluated: 2025-09-07. Review status: criteria provided, single submitter. Criteria: Ambry Variant Classification Scheme 2023. Collection method: clinical testing. Allele origin: germline.
Comment: The p.T410I variant (also known as c.1229C>T), located in coding exon 8 of the RAD50 gene, results from a C to T substitution at nucleotide position 1229. The threonine at codon 410 is replaced by isoleucine, an amino acid with similar properties. This amino acid position is not well conserved in available vertebrate species. In addition, this alteration is predicted to be tolerated by in silico analysis. Since supporting evidence is limited at this time, the clinical significance of this alteration remains unclear.